The following is an entry in ClinVar:

NM_001282531.3(ADNP):c.201G>C (p.Gln67His)

Gene: ADNP (activity dependent neuroprotector homeobox; minus strand). Cytogenetic location: 20q13.13.
Variant type: single nucleotide variant.
Coding change: c.201G>C on transcript NM_001282531.3 (MANE Select); coding-DNA position 201, G replaced by C.
Protein change: p.Gln67His; replaces glutamine 67 with histidine.
Molecular consequence: missense variant.
Genome position (GRCh38, 1-based): chr20:50,902,017, C>G on the plus strand (G>C on the coding strand, the complement: ADNP is on the minus strand). VCF-style: chr20-50902017-C-G. GRCh37 (hg19) VCF-style: chr20-49518554-C-G.
Other names: c.201G>C, p.Gln67His (NM_015339.5, NM_001282532.2, NM_001347511.2 and 1 more transcripts); short protein forms Q67H.
Identifiers: ClinVar variation 521542 (VCV000521542.4), dbSNP rs1555812161, ClinGen allele CA408981383.

ClinVar aggregate classification (germline): Likely pathogenic (1 of 4 stars; one submission).

Conditions:
Inborn genetic diseases. Identifiers: MedGen C0950123, MeSH D030342.
ADNP-related multiple congenital anomalies - intellectual disability - autism spectrum disorder. Also called: Helsmoortel-Van der Aa Syndrome; ADNP-Related Helsmoortel-Van der Aa Syndrome. Identifiers: Orphanet 404448, MedGen C4014538, MONDO:0014379, OMIM 615873. Disease mechanism: loss of function.

Submission:

Ambry Genetics
Classification: Likely pathogenic for Inborn genetic diseases. Last evaluated: 2017-10-04. Review status: criteria provided, single submitter. Criteria: Ambry exome assertion method (8-5-2015). Collection method: clinical testing. Allele origin: germline. Affected: yes. Observed: 1 variant allele.